The following is an entry in ClinVar:

ClinVar aggregate classification (germline): Uncertain significance (1 of 4 stars; one submission).

gnomAD v4.1: 11 of 1,614,096 alleles (0.00068%); highest among the groups gnomAD compares: African/African-American, 0.0013%; no homozygotes.

Submission:

Labcorp Genetics (formerly Invitae), Labcorp
Classification: Uncertain significance. Last evaluated: 2024-07-22. Review status: criteria provided, single submitter. Criteria: Invitae Variant Classification Sherloc (09022015). Collection method: clinical testing. Allele origin: germline.
Comment: This sequence change replaces valine, which is neutral and non-polar, with methionine, which is neutral and non-polar, at codon 1231 of the TRRAP protein (p.Val1231Met). This variant is present in population databases (no rsID available, gnomAD 0.007%). This variant has not been reported in the literature in individuals affected with TRRAP-related conditions. Advanced modeling of protein sequence and biophysical properties (such as structural, functional, and spatial information, amino acid conservation, physicochemical variation, residue mobility, and thermodynamic stability) performed at Invitae indicates that this missense variant is not expected to disrupt TRRAP protein function with a negative predictive value of 80%. In summary, the available evidence is currently insufficient to determine the role of this variant in disease. Therefore, it has been classified as a Variant of Uncertain Significance.

NM_001375524.1(TRRAP):c.3691G>A (p.Val1231Met)

Gene: TRRAP (transformation/transcription domain associated protein; plus strand). Cytogenetic location: 7q22.1.
Variant type: single nucleotide variant.
Coding change: c.3691G>A on transcript NM_001375524.1 (MANE Select); coding-DNA position 3691, G replaced by A.
Protein change: p.Val1231Met; replaces valine 1231 with methionine.
Molecular consequence: missense variant.
Genome position (GRCh38, 1-based): chr7:98,931,504, G>A. VCF-style: chr7-98931504-G-A. GRCh37 (hg19) VCF-style: chr7-98529127-G-A.
Other names: c.3691G>A, p.Val1231Met (NM_001244580.2, NM_003496.4); short protein forms V1231M.
Identifiers: ClinVar variation 3717878 (VCV003717878.2).
Genomic context (GRCh38, chr7:98,931,504, plus strand): 5'-GAGCAGCTTCTGATGCGGTGCGCAACGCCTTTAAAAGACGAGGAGAGAGCCGAAGAGATC[G>A]TGGCCGCCCAGGAAAAGTCTTTCCACCATGTGACACACGACTTGGTTCGAGAAGTCACCT-3'
Protein context (NP_001362453.1, residues 1221-1241): LKDEERAEEI[Val1231Met]AAQEKSFHHV